The following is an entry in ClinVar:

NM_000124.4(ERCC6):c.88del (p.Ala30fs)

Gene: ERCC6 (ERCC excision repair 6, chromatin remodeling factor; minus strand). Cytogenetic location: 10q11.23.
Variant type: Deletion.
Coding change: c.88del on transcript NM_000124.4 (MANE Select); coding-DNA position 88, one base deleted (G; older notation c.88delG).
Protein change: p.Ala30fs; shifts the reading frame from alanine 30.
Molecular consequence: frameshift variant.
Genome position (GRCh38, 1-based): chr10:49,532,877, C deleted on the plus strand (G on the coding strand, the reverse complement: ERCC6 is on the minus strand); the first of 2 consecutive C bases (chr10:49,532,877-49,532,878); deleting either gives the same sequence. VCF-style (leftmost placement, unchanged base first): chr10-49532876-GC-G. GRCh37 (hg19) VCF-style: chr10-50740922-GC-G.
Other names: c.88del, p.Ala30fs (NM_001277058.2, NM_001277059.2, NM_001346440.2); short protein forms A30fs.
Identifiers: ClinVar variation 1455658 (VCV001455658.6), dbSNP rs1309255175, ClinGen allele CA593780653.

ClinVar aggregate classification (germline): Pathogenic (1 of 4 stars; one submission).

Submission:

Labcorp Genetics (formerly Invitae), Labcorp
Classification: Pathogenic. Last evaluated: 2026-01-20. Review status: criteria provided, single submitter. Criteria: Invitae Variant Classification Sherloc (09022015). Collection method: clinical testing. Allele origin: germline.
Comment: This sequence change creates a premature translational stop signal (p.Ala30Glnfs*54) in the ERCC6 gene. It is expected to result in an absent or disrupted protein product. Loss-of-function variants in ERCC6 are known to be pathogenic (PMID: 18628313, 29572252). This variant is present in population databases (no rsID available, gnomAD 0.0009%). This variant has not been reported in the literature in individuals affected with ERCC6-related conditions. ClinVar contains an entry for this variant (Variation ID: 1455658). For these reasons, this variant has been classified as Pathogenic.

Literature cited by the submitters: PubMed 18628313; PubMed 29572252.